The following is an entry in ClinVar:

ClinVar aggregate classification (germline): Uncertain significance (1 of 4 stars; one submission).

Conditions:
Autosomal dominant hypocalcemia 1 (HYPOC1). Also called: HYPOCALCEMIA, FAMILIAL. Identifiers: MedGen C3715128, MONDO:0011013, OMIM 601198.
Familial hypocalciuric hypercalcemia (FHH). Also called: Familial benign hypercalcemia. Identifiers: Orphanet 405, MedGen C1809471, MONDO:0018458.

Submission:

Labcorp Genetics (formerly Invitae), Labcorp
Classification: Uncertain significance for Familial hypocalciuric hypercalcemia; Autosomal dominant hypocalcemia 1. Last evaluated: 2022-12-31. Review status: criteria provided, single submitter. Criteria: Invitae Variant Classification Sherloc (09022015). Collection method: clinical testing. Allele origin: germline.
Comment: In summary, the available evidence is currently insufficient to determine the role of this variant in disease. Therefore, it has been classified as a Variant of Uncertain Significance. Algorithms developed to predict the effect of missense changes on protein structure and function (SIFT, PolyPhen-2, Align-GVGD) all suggest that this variant is likely to be disruptive. This variant has not been reported in the literature in individuals affected with CASR-related conditions. This variant is not present in population databases (gnomAD no frequency). This sequence change replaces threonine, which is neutral and polar, with arginine, which is basic and polar, at codon 355 of the CASR protein (p.Thr355Arg).

NM_000388.4(CASR):c.1064C>G (p.Thr355Arg)

Gene: CASR (calcium sensing receptor; plus strand). Cytogenetic location: 3q21.1.
Variant type: single nucleotide variant.
Coding change: c.1064C>G on transcript NM_000388.4 (MANE Select); coding-DNA position 1064, C replaced by G.
Protein change: p.Thr355Arg; replaces threonine 355 with arginine.
Molecular consequence: missense variant.
Genome position (GRCh38, 1-based): chr3:122,262,099, C>G. VCF-style: chr3-122262099-C-G. GRCh37 (hg19) VCF-style: chr3-121980946-C-G.
Other names: c.1064C>G, p.Thr355Arg (NM_001178065.2); short protein forms T355R.
Identifiers: ClinVar variation 2942862 (VCV002942862.3), dbSNP rs1046586354, ClinGen allele CA354152483.